The following is an entry in ClinVar:

ClinVar aggregate classification (germline): Uncertain significance (1 of 4 stars; one submission).

Conditions:
Paroxysmal nonkinesigenic dyskinesia. Also called: Paroxysmal non-kinesigenic dyskinesia. Identifiers: Orphanet 98810, MedGen C1869117, MONDO:0700088.

gnomAD v4.1: 2 of 1,606,168 alleles (0.00012%); highest among the groups gnomAD compares: Non-Finnish European, 0.00017%; no homozygotes.

Submission:

Labcorp Genetics (formerly Invitae), Labcorp
Classification: Uncertain significance for Paroxysmal nonkinesigenic dyskinesia. Last evaluated: 2025-04-27. Review status: criteria provided, single submitter. Criteria: Invitae Variant Classification Sherloc (09022015). Collection method: clinical testing. Allele origin: germline.
Comment: This sequence change replaces valine, which is neutral and non-polar, with methionine, which is neutral and non-polar, at codon 154 of the PNKD protein (p.Val154Met). This variant is not present in population databases (gnomAD no frequency). This variant has not been reported in the literature in individuals affected with PNKD-related conditions. Invitae Evidence Modeling of protein sequence and biophysical properties (such as structural, functional, and spatial information, amino acid conservation, physicochemical variation, residue mobility, and thermodynamic stability) indicates that this missense variant is not expected to disrupt PNKD protein function with a negative predictive value of 80%. In summary, the available evidence is currently insufficient to determine the role of this variant in disease. Therefore, it has been classified as a Variant of Uncertain Significance.

NM_015488.5(PNKD):c.460G>A (p.Val154Met)

Genes: CATIP-AS2 (CATIP antisense RNA 2; minus strand), PNKD (PNKD metallo-beta-lactamase domain containing; plus strand). Cytogenetic location: 2q35.
Variant type: single nucleotide variant.
Coding change: c.460G>A on transcript NM_015488.5 (MANE Select); coding-DNA position 460, G replaced by A.
Protein change: p.Val154Met; replaces valine 154 with methionine.
Molecular consequence: missense variant.
Genome position (GRCh38, 1-based): chr2:218,340,136, G>A. VCF-style: chr2-218340136-G-A. GRCh37 (hg19) VCF-style: chr2-219204859-G-A.
Other names: c.388G>A, p.Val130Met (NM_022572.5); short protein forms V130M, V154M.
Identifiers: ClinVar variation 4706714 (VCV004706714.1).
Genomic context (GRCh38, chr2:218,340,136, plus strand): 5'-CTCATCATCGACACCCAGGCCCAGCTGGCTGTGGCTGTGGACCCTTCAGACCCTCGGGCT[G>A]TGCAGGTGAGGGGAGGGCAGGGAGCAGGGGGTGCCTGGAGTCACCTTGGGGACTGGCAGT-3'
Protein context (NP_056303.3, residues 144-164): VAVDPSDPRA[Val154Met]QASIEKEGVT